The following is an entry in ClinVar:

NM_152564.5(VPS13B):c.1318G>A (p.Glu440Lys)

Gene: VPS13B (vacuolar protein sorting 13 homolog B; plus strand). Cytogenetic location: 8q22.2.
Variant type: single nucleotide variant.
Coding change: c.1318G>A on transcript NM_152564.5 (MANE Select); coding-DNA position 1318, G replaced by A.
Protein change: p.Glu440Lys; replaces glutamic acid 440 with lysine.
Molecular consequence: missense variant.
Genome position (GRCh38, 1-based): chr8:99,135,030, G>A. VCF-style: chr8-99135030-G-A. GRCh37 (hg19) VCF-style: chr8-100147258-G-A.
Other names: c.1318G>A, p.Glu440Lys (NM_015243.3, NM_017890.5); short protein forms E440K.
Identifiers: ClinVar variation 1497856 (VCV001497856.4), dbSNP rs1320106244, ClinGen allele CA371862683.

ClinVar aggregate classification (germline): Uncertain significance (1 of 4 stars; one submission).

Conditions:
Cohen syndrome (COH1). Also called: Cutis verticis gyrata, retinitis pigmentosa, and sensorineural deafness; PEPPER SYNDROME. Identifiers: Orphanet 193, MedGen C0265223, MONDO:0008999, OMIM 216550.

Submission:

Labcorp Genetics (formerly Invitae), Labcorp
Classification: Uncertain significance for Cohen syndrome. Last evaluated: 2020-12-26. Review status: criteria provided, single submitter. Criteria: Invitae Variant Classification Sherloc (09022015). Collection method: clinical testing. Allele origin: germline.
Comment: This variant has not been reported in the literature in individuals with VPS13B-related conditions. In summary, the available evidence is currently insufficient to determine the role of this variant in disease. Therefore, it has been classified as a Variant of Uncertain Significance. Algorithms developed to predict the effect of missense changes on protein structure and function are either unavailable or do not agree on the potential impact of this missense change (SIFT: "Not Available"; PolyPhen-2: "Benign"; Align-GVGD: "Not Available"). This variant is not present in population databases (ExAC no frequency). This sequence change replaces glutamic acid with lysine at codon 440 of the VPS13B protein (p.Glu440Lys). The glutamic acid residue is moderately conserved and there is a small physicochemical difference between glutamic acid and lysine.